The following is an entry in ClinVar:

ClinVar aggregate classification (germline): Likely pathogenic (1 of 4 stars; one submission).

Allele frequency attached by ClinVar (database versions not stated): ExAC 0.00001.
gnomAD v4.1: 5 of 1,596,540 alleles (0.00031%); highest among the groups gnomAD compares: Non-Finnish European, 0.00043%; no homozygotes.

Submission:

Labcorp Genetics (formerly Invitae), Labcorp
Classification: Likely pathogenic. Last evaluated: 2023-12-02. Review status: criteria provided, single submitter. Criteria: Invitae Variant Classification Sherloc (09022015). Collection method: clinical testing. Allele origin: germline.
Comment: This sequence change affects a donor splice site in intron 2 of the EIF2B1 gene. It is expected to disrupt RNA splicing. Variants that disrupt the donor or acceptor splice site typically lead to a loss of protein function (PMID: 16199547), and loss-of-function variants in EIF2B1 are known to be pathogenic (PMID: 11835386, 32865661). This variant is present in population databases (rs749213860, gnomAD 0.003%). Disruption of this splice site has been observed in individual(s) with EIF2B1-related conditions (PMID: 33432707). Algorithms developed to predict the effect of sequence changes on RNA splicing suggest that this variant may disrupt the consensus splice site. In summary, the currently available evidence indicates that the variant is pathogenic, but additional data are needed to prove that conclusively. Therefore, this variant has been classified as Likely Pathogenic.

Literature cited by the submitters: PubMed 16199547; PubMed 11835386; PubMed 32865661; PubMed 33432707.

NM_001414.4(EIF2B1):c.115+1G>A

Gene: EIF2B1 (eukaryotic translation initiation factor 2B subunit alpha; minus strand). Cytogenetic location: 12q24.31.
Variant type: single nucleotide variant.
Coding change: c.115+1G>A on transcript NM_001414.4 (MANE Select); the canonical splice donor site of the intron after coding-DNA position 115, G replaced by A.
Molecular consequence: splice donor variant.
Genome position (GRCh38, 1-based): chr12:123,632,344, C>T on the plus strand (G>A on the coding strand, the complement: EIF2B1 is on the minus strand). VCF-style: chr12-123632344-C-T. GRCh37 (hg19) VCF-style: chr12-124116891-C-T.
Identifiers: ClinVar variation 2990962 (VCV002990962.3), dbSNP rs749213860, ClinGen allele CA6860233.